The following is an entry in ClinVar:

NM_152703.5(SAMD9L):c.2842A>G (p.Ile948Val)

Gene: SAMD9L (sterile alpha motif domain containing 9 like; minus strand). Cytogenetic location: 7q21.2.
Variant type: single nucleotide variant.
Coding change: c.2842A>G on transcript NM_152703.5 (MANE Select); coding-DNA position 2842, A replaced by G.
Protein change: p.Ile948Val; replaces isoleucine 948 with valine.
Molecular consequence: missense variant.
Genome position (GRCh38, 1-based): chr7:93,133,130, T>C on the plus strand (A>G on the coding strand, the complement: SAMD9L is on the minus strand). VCF-style: chr7-93133130-T-C. GRCh37 (hg19) VCF-style: chr7-92762443-T-C.
Other names: c.2842A>G, p.Ile948Val (NM_001303496.3, NM_001303497.3, NM_001303498.3 and 5 more transcripts); short protein forms I948V.
Identifiers: ClinVar variation 4630025 (VCV004630025.1).

ClinVar aggregate classification (germline): Uncertain significance (1 of 4 stars; one submission).

Conditions:
Inborn genetic diseases. Identifiers: MedGen C0950123, MeSH D030342.

Submission:

Ambry Genetics
Classification: Uncertain significance for Inborn genetic diseases. Last evaluated: 2025-09-28. Review status: criteria provided, single submitter. Criteria: Ambry Variant Classification Scheme 2023. Collection method: clinical testing. Allele origin: germline.
Comment: The p.I948V variant (also known as c.2842A>G), located in coding exon 1 of the SAMD9L gene, results from an A to G substitution at nucleotide position 2842. The isoleucine at codon 948 is replaced by valine, an amino acid with highly similar properties. This amino acid position is conserved. In addition, this alteration is predicted to be tolerated by in silico analysis. Based on the available evidence, the clinical significance of this variant remains unclear.